The following is an entry in ClinVar:

NM_025099.6(CTC1):c.1583del (p.Ile528fs)

Gene: CTC1 (CST telomere replication complex component 1; minus strand). Cytogenetic location: 17p13.1.
Variant type: Deletion.
Coding change: c.1583del on transcript NM_025099.6 (MANE Select); coding-DNA position 1583, one base deleted (T; older notation c.1583delT).
Protein change: p.Ile528fs; shifts the reading frame from isoleucine 528.
Molecular consequence: frameshift variant. On other transcripts: non-coding transcript variant (1).
Genome position (GRCh38, 1-based): chr17:8,234,783, A deleted on the plus strand (T on the coding strand, the reverse complement: CTC1 is on the minus strand). VCF-style (leftmost placement, unchanged base first): chr17-8234782-GA-G. GRCh37 (hg19) VCF-style: chr17-8138100-GA-G.
Other names: c.1583del, p.Ile528fs (NM_001411067.1); short protein forms I528fs.
Identifiers: ClinVar variation 2828233 (VCV002828233.3), dbSNP rs1483025723, ClinGen allele CA775738088.

ClinVar aggregate classification (germline): Pathogenic (1 of 4 stars; one submission).

Conditions:
Dyskeratosis congenita. Identifiers: Orphanet 1775, MedGen C0265965, MONDO:0015780.

Submission:

Labcorp Genetics (formerly Invitae), Labcorp
Classification: Pathogenic for Dyskeratosis congenita. Last evaluated: 2023-01-13. Review status: criteria provided, single submitter. Criteria: Invitae Variant Classification Sherloc (09022015). Collection method: clinical testing. Allele origin: germline.
Comment: This variant has not been reported in the literature in individuals affected with CTC1-related conditions. For these reasons, this variant has been classified as Pathogenic. This variant is not present in population databases (gnomAD no frequency). This sequence change creates a premature translational stop signal (p.Ile528Thrfs*28) in the CTC1 gene. It is expected to result in an absent or disrupted protein product. Loss-of-function variants in CTC1 are known to be pathogenic (PMID: 22267198, 22387016).

Literature cited by the submitters: PubMed 22267198; PubMed 22387016.